The following is an entry in ClinVar:

ClinVar aggregate classification (germline): Uncertain significance (1 of 4 stars; one submission).

Allele frequency attached by ClinVar (database versions not stated): gnomAD exomes below 0.00001.
gnomAD v4.1: 4 of 1,613,338 alleles (0.00025%); highest among the groups gnomAD compares: South Asian, 0.0044%; no homozygotes.

Submission:

Labcorp Genetics (formerly Invitae), Labcorp
Classification: Uncertain significance. Last evaluated: 2022-02-04. Review status: criteria provided, single submitter. Criteria: Invitae Variant Classification Sherloc (09022015). Collection method: clinical testing. Allele origin: germline.
Comment: This sequence change replaces glutamic acid, which is acidic and polar, with lysine, which is basic and polar, at codon 299 of the MYSM1 protein (p.Glu299Lys). In summary, the available evidence is currently insufficient to determine the role of this variant in disease. Therefore, it has been classified as a Variant of Uncertain Significance. Algorithms developed to predict the effect of missense changes on protein structure and function (SIFT, PolyPhen-2, Align-GVGD) all suggest that this variant is likely to be tolerated. This variant has not been reported in the literature in individuals affected with MYSM1-related conditions. This variant is not present in population databases (gnomAD no frequency).

NM_001085487.3(MYSM1):c.895G>A (p.Glu299Lys)

Gene: MYSM1 (Myb like, SWIRM and MPN domains 1; minus strand). Cytogenetic location: 1p32.1.
Variant type: single nucleotide variant.
Coding change: c.895G>A on transcript NM_001085487.3 (MANE Select); coding-DNA position 895, G replaced by A.
Protein change: p.Glu299Lys; replaces glutamic acid 299 with lysine.
Molecular consequence: missense variant.
Genome position (GRCh38, 1-based): chr1:58,682,149, C>T on the plus strand (G>A on the coding strand, the complement: MYSM1 is on the minus strand). VCF-style: chr1-58682149-C-T. GRCh37 (hg19) VCF-style: chr1-59147821-C-T.
Other names: short protein forms E299K.
Identifiers: ClinVar variation 1412394 (VCV001412394.6), dbSNP rs2100649719, ClinGen allele CA340527006.
Genomic context (GRCh38, chr1:58,682,149, plus strand): 5'-ATTCATTAAATTTCTGGTCATTTAATTCAATTGATTTTTTGTCACCATTGCTCTGTTTCT[C>T]AGTCCACAGTGTAATTTCTGAGCTTGAAAGTGTTTCATCTTGCTTTTCATTTTGAAGACA-3'
Protein context (NP_001078956.1, residues 289-309): LSSSEITLWT[Glu299Lys]KQSNGDKKSI